The following is an entry in ClinVar:

ClinVar aggregate classification (germline): Uncertain significance (1 of 4 stars; one submission).

Conditions:
EGFR-related lung cancer (EGFR). Identifiers: MedGen CN130014.

Allele frequency attached by ClinVar (database versions not stated): gnomAD exomes below 0.00001.
gnomAD v4.1: 1 of 1,614,168 alleles (0.000062%); highest among the groups gnomAD compares: African/African-American, 0.0013%; no homozygotes.

Submission:

Labcorp Genetics (formerly Invitae), Labcorp
Classification: Uncertain significance for EGFR-related lung cancer. Last evaluated: 2023-10-26. Review status: criteria provided, single submitter. Criteria: Invitae Variant Classification Sherloc (09022015). Collection method: clinical testing. Allele origin: germline.
Comment: This sequence change replaces isoleucine, which is neutral and non-polar, with threonine, which is neutral and polar, at codon 643 of the EGFR protein (p.Ile643Thr). This variant is not present in population databases (gnomAD no frequency). This variant has not been reported in the literature in individuals affected with EGFR-related conditions. Advanced modeling of protein sequence and biophysical properties (such as structural, functional, and spatial information, amino acid conservation, physicochemical variation, residue mobility, and thermodynamic stability) performed at Invitae indicates that this missense variant is not expected to disrupt EGFR protein function with a negative predictive value of 80%. In summary, the available evidence is currently insufficient to determine the role of this variant in disease. Therefore, it has been classified as a Variant of Uncertain Significance.

NM_005228.5(EGFR):c.1928T>C (p.Ile643Thr)

Gene: EGFR (epidermal growth factor receptor; plus strand). Cytogenetic location: 7p11.2.
Variant type: single nucleotide variant.
Coding change: c.1928T>C on transcript NM_005228.5 (MANE Select); coding-DNA position 1928, T replaced by C.
Protein change: p.Ile643Thr; replaces isoleucine 643 with threonine.
Molecular consequence: missense variant.
Genome position (GRCh38, 1-based): chr7:55,172,991, T>C. VCF-style: chr7-55172991-T-C. GRCh37 (hg19) VCF-style: chr7-55240684-T-C.
Other names: c.1793T>C, p.Ile598Thr (NM_001346897.2, NM_001346899.2); c.1928T>C, p.Ile643Thr (NM_001346898.2); c.1769T>C, p.Ile590Thr (NM_001346900.2); c.1127T>C, p.Ile376Thr (NM_001346941.2); short protein forms I598T, I643T, I376T, I590T.
Identifiers: ClinVar variation 2771963 (VCV002771963.3), dbSNP rs1584222116, ClinGen allele CA367582859.